The following is an entry in ClinVar:

NM_000492.4(CFTR):c.2584G>A (p.Val862Met)

Gene: CFTR (CF transmembrane conductance regulator; plus strand). Cytogenetic location: 7q31.2.
Variant type: single nucleotide variant.
Coding change: c.2584G>A on transcript NM_000492.4 (MANE Select); coding-DNA position 2584, G replaced by A.
Protein change: p.Val862Met; replaces valine 862 with methionine.
Molecular consequence: missense variant.
Genome position (GRCh38, 1-based): chr7:117,595,023, G>A. VCF-style: chr7-117595023-G-A. GRCh37 (hg19) VCF-style: chr7-117235077-G-A.
Other names: short protein forms V862M.
Identifiers: ClinVar variation 2567902 (VCV002567902.2), dbSNP rs762608972, ClinGen allele CA368984009.

ClinVar aggregate classification (germline): Uncertain significance (1 of 4 stars; one submission).

Conditions:
Cystic fibrosis (CF). Also called: MUCOVISCIDOSIS. Identifiers: Orphanet 586, MedGen C0010674, MONDO:0009061, OMIM 219700. Disease mechanism: loss of function.

gnomAD v4.1: 1 of 1,612,882 alleles (0.000062%); highest among the groups gnomAD compares: Non-Finnish European, 0.000085%; no homozygotes.

Submission:

Ambry Genetics
Classification: Uncertain significance for Cystic fibrosis. Last evaluated: 2023-06-09. Review status: criteria provided, single submitter. Criteria: Ambry Variant Classification Scheme 2023. Collection method: clinical testing. Allele origin: germline.
Comment: The p.V862M variant (also known as c.2584G>A), located in coding exon 15 of the CFTR gene, results from a G to A substitution at nucleotide position 2584. The valine at codon 862 is replaced by methionine, an amino acid with highly similar properties. This amino acid position is conserved. In addition, the in silico prediction for this alteration is inconclusive. Since supporting evidence is limited at this time, the clinical significance of this alteration remains unclear.